The following is an entry in ClinVar:

ClinVar aggregate classification (germline): Benign/Likely benign. Review status: criteria provided, multiple submitters, no conflicts (2 of 4 stars). 6 submissions from 6 submitters: Benign (1); Likely benign (4). 1 of the submissions does not count toward it. Last evaluated 2026-05-14.

Conditions:
Hereditary cancer-predisposing syndrome. Also called: Hereditary Cancer Syndrome; Neoplastic Syndromes, Hereditary; Tumor predisposition; Hereditary neoplastic syndrome. Identifiers: Orphanet 140162, MedGen C0027672, MeSH D009386, MONDO:0015356.
Neurofibromatosis, type 1 (NF1). Also called: Peripheral type neurofibromatosis; Neurofibromatosis, type I; VON RECKLINGHAUSEN DISEASE; NEUROFIBROMATOSIS, TYPE I, SOMATIC. Identifiers: Orphanet 636, MedGen C0027831, MONDO:0018975, OMIM 162200. Disease mechanism: loss of function.

Allele frequency attached by ClinVar (database versions not stated): TOPMed 0.00006; gnomAD 0.00003; ExAC 0.00002.
gnomAD v4.1: 17 of 1,614,062 alleles (0.0011%); highest among the groups gnomAD compares: African/African-American, 0.021%; no homozygotes.

Submissions (6):

Myriad Genetics, Inc.
Classification: Benign for Neurofibromatosis, type 1. Last evaluated: 2026-05-14. Review status: criteria provided, single submitter. Criteria: Myriad Autosomal Dominant, Autosomal Recessive and X-Linked Classification Criteria (2023). Collection method: clinical testing. Allele origin: unknown.
Comment: This variant is considered benign. This variant is a silent/synonymous amino acid change and it is not expected to impact splicing.

Labcorp Genetics (formerly Invitae), Labcorp
Classification: Likely benign for Neurofibromatosis, type 1. Last evaluated: 2025-11-23. Review status: criteria provided, single submitter. Criteria: Invitae Variant Classification Sherloc (09022015). Collection method: clinical testing. Allele origin: germline.

Genome-Nilou Lab
Classification: Likely benign for Neurofibromatosis, type 1. Last evaluated: 2022-03-15. Review status: criteria provided, single submitter. Criteria: ACMG Guidelines, 2015. Collection method: clinical testing. Allele origin: germline. Affected: no.

GeneDx
Classification: Likely benign. Last evaluated: 2020-12-29. Review status: criteria provided, single submitter. Criteria: GeneDx Variant Classification Process June 2021. Collection method: clinical testing. Allele origin: germline. Affected: yes.
Comment: This variant is associated with the following publications: (PMID: 24728327)

Ambry Genetics
Classification: Likely benign for Hereditary cancer-predisposing syndrome. Last evaluated: 2015-08-26. Review status: criteria provided, single submitter. Criteria: Ambry Autosomal Dominant and X-Linked criteria (10/2015). Collection method: clinical testing. Allele origin: germline. Observed: 1 variant allele.
Comment: Synonymous alterations with insufficient evidence to classify as benign

ITMI
No classification provided. Condition: AllHighlyPenetrant. Last evaluated: 2013-09-19. Review status: no classification provided. Collection method: reference population. Allele origin: germline. Not counted in ClinVar's aggregate classification.
Comment: Please see associated publication for description of ethnicities

Literature cited by the submitters: PubMed 24728327 (cited by ITMI).

NM_001042492.3(NF1):c.456A>G (p.Ala152=)

Gene: NF1 (neurofibromin 1; plus strand). Cytogenetic location: 17q11.2.
Variant type: single nucleotide variant.
Coding change: c.456A>G on transcript NM_001042492.3 (MANE Select); coding-DNA position 456, A replaced by G.
Protein change: p.Ala152=; no amino-acid change (alanine 152 retained).
Molecular consequence: synonymous variant.
Genome position (GRCh38, 1-based): chr17:31,163,353, A>G. VCF-style: chr17-31163353-A-G. GRCh37 (hg19) VCF-style: chr17-29490371-A-G.
Other names: c.456A>G, p.Ala152= (NM_000267.4, NM_001128147.3).
Identifiers: ClinVar variation 134886 (VCV000134886.16), dbSNP rs377481833, ClinGen allele CA161050.